The following is an entry in ClinVar:

NM_001349206.2(LPIN1):c.2401_2402+22del

Gene: LPIN1 (lipin 1; plus strand). Cytogenetic location: 2p25.1.
Variant type: Deletion.
Coding change: c.2401_2402+22del on transcript NM_001349206.2 (MANE Select); coding-DNA position 2401 through 22 bases into the intron after coding-DNA position 2402, 24 bases deleted (AGGTACCAGGCCTGCTCCCTGCAC).
Molecular consequence: splice donor variant.
Genome position (GRCh38, 1-based): chr2:11,815,239-11,815,262, AGGTACCAGGCCTGCTCCCTGCAC deleted; deleting any 24 consecutive bases within chr2:11,815,231-11,815,262 gives the same sequence; the c. name uses the placement nearest the transcript's 3' end. VCF-style (leftmost placement, unchanged base first): chr2-11815230-GCCCTGCACAGGTACCAGGCCTGCT-G. GRCh37 (hg19) VCF-style: chr2-11955356-GCCCTGCACAGGTACCAGGCCTGCT-G.
Other names: c.2548_2549+22del (NM_001261428.3); c.2440_2441+22del (NM_001349208.2); c.2491_2492+22del (NM_001349207.2); c.2311_2312+22del (NM_001261427.3); c.2401_2402+22del (NM_001349204.2, NM_001349205.2); c.2398_2399+22del (NM_001349202.2, NM_001349203.2); c.2371_2372+22del (NM_001349200.2, NM_001349201.2); c.2293_2294+22del (NM_001349199.2, NM_145693.4).
Identifiers: ClinVar variation 1524159 (VCV001524159.6), dbSNP rs2148722783, ClinGen allele CA2573133149.

ClinVar aggregate classification (germline): Likely pathogenic (1 of 4 stars; one submission).

Submission:

Labcorp Genetics (formerly Invitae), Labcorp
Classification: Likely pathogenic. Last evaluated: 2025-06-23. Review status: criteria provided, single submitter. Criteria: Invitae Variant Classification Sherloc (09022015). Collection method: clinical testing. Allele origin: germline.
Comment: This variant results in the deletion of part of exon 17 (c.2293_2294+22del) of the LPIN1 gene. It is expected to disrupt RNA splicing. Variants that disrupt the donor or acceptor splice site typically lead to a loss of protein function (PMID: 16199547), and loss-of-function variants in LPIN1 are known to be pathogenic (PMID: 18817903, 20583302, 22481384, 26111941). This variant is not present in population databases (gnomAD no frequency). This variant has not been reported in the literature in individuals affected with LPIN1-related conditions. ClinVar contains an entry for this variant (Variation ID: 1524159). In summary, the currently available evidence indicates that the variant is pathogenic, but additional data are needed to prove that conclusively. Therefore, this variant has been classified as Likely Pathogenic.

Literature cited by the submitters: PubMed 16199547; PubMed 18817903; PubMed 20583302; PubMed 22481384; PubMed 26111941.